The following is an entry in ClinVar:

NM_000059.4(BRCA2):c.347_370del (p.Ser116_Lys123del)

Gene: BRCA2 (BRCA2 DNA repair associated; plus strand). Cytogenetic location: 13q13.1.
Variant type: Deletion.
Coding change: c.347_370del on transcript NM_000059.4 (MANE Select); coding-DNA positions 347 to 370, 24 bases deleted (GTCTTCGCACAGTGAAAACTAAAA).
Protein change: p.Ser116_Lys123del.
Molecular consequence: inframe deletion.
Genome position (GRCh38, 1-based): chr13:32,325,106-32,325,129, GTCTTCGCACAGTGAAAACTAAAA deleted; deleting any 24 consecutive bases within chr13:32,325,101-32,325,129 gives the same sequence; the c. name uses the placement nearest the transcript's 3' end. VCF-style (leftmost placement, unchanged base first): chr13-32325100-ATAAAAGTCTTCGCACAGTGAAAAC-A. GRCh37 (hg19) VCF-style: chr13-32899237-ATAAAAGTCTTCGCACAGTGAAAAC-A.
Other names: c.347_370del24 (NM_000059.3).
Identifiers: ClinVar variation 1021175 (VCV001021175.10), dbSNP rs2072334181, ClinGen allele CA2082747299.

ClinVar aggregate classification (germline): Uncertain significance. Review status: criteria provided, multiple submitters, no conflicts (2 of 4 stars). 2 submissions from 2 submitters: Uncertain significance (2). Last evaluated 2026-07-30.

Conditions:
Hereditary cancer-predisposing syndrome. Also called: Tumor predisposition; Hereditary Cancer Syndrome; Hereditary neoplastic syndrome; Neoplastic Syndromes, Hereditary. Identifiers: Orphanet 140162, MedGen C0027672, MeSH D009386, MONDO:0015356.
Hereditary breast ovarian cancer syndrome. Also called: Hereditary breast and/or ovarian cancer syndrome; Hereditary breast and ovarian cancer syndrome; BRCA1- and BRCA2-Associated Hereditary Breast and Ovarian Cancer; Breast and ovarian cancer; Hereditary breast and ovarian cancer; Hereditary breast and ovarian cancer syndrome (HBOC). Identifiers: Orphanet 145, MedGen C0677776, MeSH D061325, MONDO:0003582. Disease mechanism: loss of function.

Submissions (2):

Ambry Genetics
Classification: Uncertain significance for Hereditary cancer-predisposing syndrome. Last evaluated: 2026-07-30. Review status: criteria provided, single submitter. Criteria: Ambry Variant Classification Scheme 2023. Collection method: clinical testing. Allele origin: germline.
Comment: The c.347_370del24 variant (also known as p.S116_K123del) is located in coding exon 3 of the BRCA2 gene. This variant results from an in-frame GTCTTCGCACAGTGAAAACTAAAA deletion at nucleotide positions 347 to 370. This results in the in-frame deletion of 8 residues at codon 116 to 123. This amino acid region is not well conserved in available vertebrate species. In addition, this variant is predicted to be deleterious by in silico analysis (Choi Y et al. PLoS ONE. 2012; 7(10):e46688). Based on the available evidence, the clinical significance of this variant remains unclear.

Labcorp Genetics (formerly Invitae), Labcorp
Classification: Uncertain significance for Hereditary breast ovarian cancer syndrome. Last evaluated: 2024-09-26. Review status: criteria provided, single submitter. Criteria: Invitae Variant Classification Sherloc (09022015). Collection method: clinical testing. Allele origin: germline.
Comment: This variant, c.347_370del, results in the deletion of 8 amino acid(s) of the BRCA2 protein (p.Ser116_Lys123del), but otherwise preserves the integrity of the reading frame. This variant is not present in population databases (gnomAD no frequency). This variant has not been reported in the literature in individuals affected with BRCA2-related conditions. ClinVar contains an entry for this variant (Variation ID: 1021175). Experimental studies and prediction algorithms are not available or were not evaluated, and the functional significance of this variant is currently unknown. In summary, the available evidence is currently insufficient to determine the role of this variant in disease. Therefore, it has been classified as a Variant of Uncertain Significance.